The following is an entry in ClinVar:

ClinVar aggregate classification (germline): Uncertain significance (1 of 4 stars; one submission).

Allele frequency attached by ClinVar (database versions not stated): gnomAD 0.00001; TOPMed 0.00002.
gnomAD v4.1: 12 of 1,403,748 alleles (0.00085%); highest among the groups gnomAD compares: Non-Finnish European, 0.0012%; no homozygotes.

Submission:

Labcorp Genetics (formerly Invitae), Labcorp
Classification: Uncertain significance. Last evaluated: 2022-06-13. Review status: criteria provided, single submitter. Criteria: Invitae Variant Classification Sherloc (09022015). Collection method: clinical testing. Allele origin: germline.
Comment: This sequence change replaces asparagine, which is neutral and polar, with lysine, which is basic and polar, at codon 410 of the PLOD2 protein (p.Asn410Lys). This variant is present in population databases (rs769818869, gnomAD 0.004%). This variant has not been reported in the literature in individuals affected with PLOD2-related conditions. Algorithms developed to predict the effect of missense changes on protein structure and function (SIFT, PolyPhen-2, Align-GVGD) all suggest that this variant is likely to be disruptive. In summary, the available evidence is currently insufficient to determine the role of this variant in disease. Therefore, it has been classified as a Variant of Uncertain Significance.

NM_182943.3(PLOD2):c.1230C>G (p.Asn410Lys)

Gene: PLOD2 (procollagen-lysine,2-oxoglutarate 5-dioxygenase 2; minus strand). Cytogenetic location: 3q24.
Variant type: single nucleotide variant.
Coding change: c.1230C>G on transcript NM_182943.3 (MANE Select); coding-DNA position 1230, C replaced by G.
Protein change: p.Asn410Lys; replaces asparagine 410 with lysine.
Molecular consequence: missense variant.
Genome position (GRCh38, 1-based): chr3:146,085,171, G>C on the plus strand (C>G on the coding strand, the complement: PLOD2 is on the minus strand). VCF-style: chr3-146085171-G-C. GRCh37 (hg19) VCF-style: chr3-145802958-G-C.
Other names: c.1230C>G, p.Asn410Lys (NM_000935.3); short protein forms N410K.
Identifiers: ClinVar variation 1433988 (VCV001433988.8), dbSNP rs769818869, ClinGen allele CA2654966.